The following is an entry in ClinVar:

ClinVar aggregate classification (germline): Likely pathogenic. Review status: reviewed by expert panel (3 of 4 stars). 8 submissions from 8 submitters: Likely pathogenic (1). 7 of the submissions do not count toward it. Last evaluated 2026-01-04.

Conditions:
BRCA2-related cancer predisposition. Identifiers: MedGen CN377758, MONDO:0700269.
BRCA2-related disorder. Also called: BRCA2-related condition; BRCA2-related disorders. Identifiers: MedGen CN239275.
Hereditary cancer-predisposing syndrome. Also called: Tumor predisposition; Neoplastic Syndromes, Hereditary; Hereditary neoplastic syndrome; Hereditary Cancer Syndrome. Identifiers: Orphanet 140162, MedGen C0027672, MeSH D009386, MONDO:0015356.
Hereditary breast ovarian cancer syndrome. Also called: Hereditary breast and ovarian cancer; Hereditary breast and ovarian cancer syndrome (HBOC); Hereditary breast and ovarian cancer syndrome; BRCA1- and BRCA2-Associated Hereditary Breast and Ovarian Cancer; Breast and ovarian cancer; Hereditary breast and/or ovarian cancer syndrome. Identifiers: Orphanet 145, MedGen C0677776, MeSH D061325, MONDO:0003582. Disease mechanism: loss of function.
Breast-ovarian cancer, familial, susceptibility to, 2 (BROVCA2). Also called: BRCA2 Hereditary Breast and Ovarian Cancer. Identifiers: Orphanet 145, MedGen C2675520, MONDO:0012933, OMIM 612555. Disease mechanism: loss of function.
Familial cancer of breast. Also called: BREAST CANCER, FAMILIAL; hereditary breast carcinoma; Hereditary breast cancer. Identifiers: Orphanet 227535, MedGen C0346153, MONDO:0016419, OMIM 114480. Disease mechanism: loss of function.

Submissions (8):

ClinGen ENIGMA BRCA1 and BRCA2 Variant Curation Expert Panel, ClinGen
Classification: Likely pathogenic for BRCA2-related cancer predisposition. Last evaluated: 2026-01-04. Review status: reviewed by expert panel. Criteria: CSpec BRCA12ACMG Rules Specifications V1.1. Collection method: curation. Allele origin: germline. Inheritance: Autosomal dominant inheritance.
Comment: The c.7685T>G variant in BRCA2 is a missense variant predicted to cause substitution of Phenylalanine by Cysteine at amino acid 2562 (p.(Phe2562Cys)). This variant is absent from gnomAD v2.1 (exomes only, non-cancer subset, read depth ≥25) and gnomAD v3.1 (non-cancer subset, read depth ≥25) (PM2_Supporting met). Reported by three calibrated studies to exhibit protein function similar to pathogenic control variants (PMIDs:38417439, 39779857, 39779848) (PS3 met). This BRCA2 missense variant is within a key functional domain and the computational predictor BayesDel (noAF) gives a score of 0.42, above the recommended threshold of 0.30 for prediction of impact on BRCA2 function via protein change. A SpliceAI score of 0.01 predicts no impact on splicing (score threshold <0.10) (PP3 met). Multifactorial likelihood ratio analysis using clinically calibrated data produced a combined LR for this variant of 0.98 (based on Family History LR=0.98), which is above the ENIGMA BRCA1/2 VCEP threshold for BP5 (>0.48) and below PP4 (<2.08) (BP5 and PP4 not met; PMID: 31853058). They were compound heterozygous for the variant and a pathogenic or likely pathogenic variant confirmed to be in trans. Total points equated to 0 (PM3 not met; internal lab contributor). In summary, this variant meets the criteria to be classified as a Likely pathogenic variant for BRCA2-related cancer predisposition based on the ACMG/AMP criteria applied as specified by the ENIGMA BRCA1/2 VCEP (PM2_Supporting, PS3, PP3).

Labcorp Genetics (formerly Invitae), Labcorp
Classification: Uncertain significance for Hereditary breast ovarian cancer syndrome. Last evaluated: 2025-11-09. Review status: criteria provided, single submitter. Criteria: Invitae Variant Classification Sherloc (09022015). Collection method: clinical testing. Allele origin: germline. Not counted in ClinVar's aggregate classification.
Comment: This sequence change replaces phenylalanine, which is neutral and non-polar, with cysteine, which is neutral and slightly polar, at codon 2562 of the BRCA2 protein (p.Phe2562Cys). This variant is not present in population databases (gnomAD no frequency). This variant has not been reported in the literature in individuals affected with BRCA2-related conditions. ClinVar contains an entry for this variant (Variation ID: 142784). Invitae Evidence Modeling incorporating data from in vitro experimental studies (PMID: 33609447) indicates that this missense variant is expected to disrupt BRCA2 function with a positive predictive value of 95%. Experimental studies have shown that this missense change affects BRCA2 function (PMID: 33609447). In summary, the available evidence is currently insufficient to determine the role of this variant in disease. Therefore, it has been classified as a Variant of Uncertain Significance.

Ambry Genetics
Classification: Pathogenic for Hereditary cancer-predisposing syndrome. Last evaluated: 2024-06-21. Review status: criteria provided, single submitter. Criteria: Ambry Variant Classification Scheme 2023. Collection method: clinical testing. Allele origin: germline. Not counted in ClinVar's aggregate classification.
Comment: The p.F2562C pathogenic mutation (also known as c.7685T>G), located in coding exon 15 of the BRCA2 gene, results from a T to G substitution at nucleotide position 7685. The phenylalanine at codon 2562 is replaced by cysteine, an amino acid with highly dissimilar properties. This alteration was identified as non-functional in a homology-directed DNA repair (HDR) assay (Richardson ME et al. Am J Hum Genet. 2021 03;108(3):458-468). This amino acid position is highly conserved in available vertebrate species. In addition, this alteration is predicted to be deleterious by in silico analysis. Based on the supporting evidence, this variant is interpreted as a disease-causing mutation. However, because this variant is identified in one or more patients with Fanconi anemia, it is likely to be hypomorphic and thus, carriers of this variant and their families may present with reduced risks, and not with the typical clinical characteristics of a high-risk pathogenic BRCA2 alteration. As risk estimates are unknown at this time, clinical correlation is advised.

Baylor Genetics
Classification: Uncertain significance for Familial cancer of breast. Last evaluated: 2023-10-17. Review status: criteria provided, single submitter. Criteria: ACMG Guidelines, 2015. Collection method: clinical testing. Allele origin: unknown. Not counted in ClinVar's aggregate classification.

All of Us Research Program, National Institutes of Health
Classification: Uncertain significance for Breast-ovarian cancer, familial, susceptibility to, 2. Last evaluated: 2023-09-17. Review status: criteria provided, single submitter. Criteria: ACMG Guidelines, 2015. Collection method: clinical testing. Allele origin: germline. Inheritance: Autosomal dominant inheritance. Observed: 1 variant allele, 1 heterozygote. Not counted in ClinVar's aggregate classification.
Comment: This missense variant replaces phenylalanine with cysteine at codon 2562 of the BRCA2 protein. Computational prediction suggests that this variant may have deleterious impact on protein structure and function (internally defined REVEL score threshold >= 0.7, PMID: 27666373). Functional studies have found the variant protein to be defective in homology-directed DNA repair assays in mammalian cells (PMID: 33609447, 35736817). This variant has been observed in an individual affected with autosomal recessive Fanconi anemia in trans with a pathogenic BRCA2 variant (ClinVar: SCV000187274.8). This variant has not been identified in the general population by the Genome Aggregation Database (gnomAD). The available evidence is insufficient to determine the role of this variant in disease conclusively. Therefore, this variant is classified as a Variant of Uncertain Significance.

This study involves interpretation of variants in research participants for the purpose of population health screening. Participant phenotype was not available at the time of variant classification. Additional details can be found in publication PMID: 35346344, PMCID: PMC8962531

Quest Diagnostics Nichols Institute San Juan Capistrano
Classification: Likely pathogenic. Last evaluated: 2023-03-02. Review status: criteria provided, single submitter. Criteria: Quest Diagnostics criteria. Collection method: clinical testing. Allele origin: unknown. Not counted in ClinVar's aggregate classification.
Comment: This variant has not been reported in large, multi-ethnic general populations. Published functional studies have shown that this variant has a deleterious effect on BRCA2 homology-directed DNA repair activity (PMIDs: 33609447 (2021) and 35736817 (2022)). Also, analysis of this variant using bioinformatics tools for the prediction of the effect of amino acid changes on protein structure and function yielded predictions that this variant is damaging. Based on the available information, this variant is classified as likely pathogenic.

GeneDx
Classification: Uncertain significance. Last evaluated: 2017-11-22. Review status: criteria provided, single submitter. Criteria: GeneDx Variant Classification Process June 2021. Collection method: clinical testing. Allele origin: germline. Affected: yes. Not counted in ClinVar's aggregate classification.
Comment: Not observed in large population cohorts (Lek et al., 2016); In silico analysis supports that this missense variant does not alter protein structure/function; This variant is associated with the following publications: (PMID: 32377563)

PreventionGenetics, part of Exact Sciences
Classification: Likely pathogenic for BRCA2-related condition. Last evaluated: 2024-05-08. Review status: no assertion criteria provided. Collection method: clinical testing. Allele origin: germline. Not counted in ClinVar's aggregate classification.
Comment: The BRCA2 c.7685T>G variant is predicted to result in the amino acid substitution p.Phe2562Cys. To our knowledge, this variant has not been reported in the literature in individuals affected with BRCA2-related conditions. Chromosomal breakage studies performed for that patient and in vitro HDR repair assays reported in the literature have demonstrated that this variant negatively impacts BRCA2 function (Richardson et al. 2021. PubMed ID: 33609447; Hu et al. 2022. PubMed ID: 35736817; PreventionGenetics internal data). This variant has not been reported in the gnomAD database and has conflicting interpretations in ClinVar ranging from uncertain to likely pathogenic. Taken together, this variant is interpreted as likely pathogenic.

Literature cited by the submitters: PubMed 33609447 (cited by 4 submitters); PubMed 35736817 (cited by All of Us Research Program, National Institutes of Health and Quest Diagnostics Nichols Institute San Juan Capistrano); PubMed 32377563 (cited by Quest Diagnostics Nichols Institute San Juan Capistrano).

NM_000059.4(BRCA2):c.7685T>G (p.Phe2562Cys)

Gene: BRCA2 (BRCA2 DNA repair associated; plus strand). Cytogenetic location: 13q13.1.
Variant type: single nucleotide variant.
Coding change: c.7685T>G on transcript NM_000059.4 (MANE Select); coding-DNA position 7685, T replaced by G.
Protein change: p.Phe2562Cys; replaces phenylalanine 2562 with cysteine.
Molecular consequence: missense variant.
Genome position (GRCh38, 1-based): chr13:32,357,809, T>G. VCF-style: chr13-32357809-T-G. GRCh37 (hg19) VCF-style: chr13-32931946-T-G.
Other names: NM_000059.4(BRCA2):c.7685T>G; p.Phe2562Cys; short protein forms F2562C.
Identifiers: ClinVar variation 142784 (VCV000142784.23), dbSNP rs587782715, ClinGen allele CA025232.
Genomic context (GRCh38, chr13:32,357,809, plus strand): 5'-CGTATGGCGTTTCTAAACATTGCATAAAAATTAACAGCAAAAATGCAGAGTCTTTTCAGT[T>G]TCACACTGAAGATTATTTTGGTAAGGAAAGTTTATGGACTGGAAAAGGAATACAGTTGGC-3'
Protein context (NP_000050.3, residues 2552-2572): INSKNAESFQ[Phe2562Cys]HTEDYFGKES